The following is an entry in ClinVar:

ClinVar aggregate classification (germline): Uncertain significance (1 of 4 stars; one submission).

Conditions:
Fanconi anemia complementation group J. Also called: BRIP1-Related Fanconi Anemia. Identifiers: Orphanet 84, MedGen C1836860, MONDO:0012187, OMIM 609054.
Familial cancer of breast. Also called: BREAST CANCER, FAMILIAL; Hereditary breast cancer; hereditary breast carcinoma. Identifiers: Orphanet 227535, MedGen C0346153, MONDO:0016419, OMIM 114480. Disease mechanism: loss of function.

Submission:

Labcorp Genetics (formerly Invitae), Labcorp
Classification: Uncertain significance for Familial cancer of breast; Fanconi anemia complementation group J. Last evaluated: 2023-07-18. Review status: criteria provided, single submitter. Criteria: Invitae Variant Classification Sherloc (09022015). Collection method: clinical testing. Allele origin: germline.
Comment: This sequence change replaces phenylalanine, which is neutral and non-polar, with leucine, which is neutral and non-polar, at codon 108 of the BRIP1 protein (p.Phe108Leu). This variant is not present in population databases (gnomAD no frequency). This variant has not been reported in the literature in individuals affected with BRIP1-related conditions. Advanced modeling of protein sequence and biophysical properties (such as structural, functional, and spatial information, amino acid conservation, physicochemical variation, residue mobility, and thermodynamic stability) performed at Invitae indicates that this missense variant is not expected to disrupt BRIP1 protein function. In summary, the available evidence is currently insufficient to determine the role of this variant in disease. Therefore, it has been classified as a Variant of Uncertain Significance.

NM_032043.3(BRIP1):c.324C>G (p.Phe108Leu)

Gene: BRIP1 (BRCA1 interacting DNA helicase 1; minus strand). Cytogenetic location: 17q23.2.
Variant type: single nucleotide variant.
Coding change: c.324C>G on transcript NM_032043.3 (MANE Select); coding-DNA position 324, C replaced by G.
Protein change: p.Phe108Leu; replaces phenylalanine 108 with leucine.
Molecular consequence: missense variant.
Genome position (GRCh38, 1-based): chr17:61,857,113, G>C on the plus strand (C>G on the coding strand, the complement: BRIP1 is on the minus strand). VCF-style: chr17-61857113-G-C. GRCh37 (hg19) VCF-style: chr17-59934474-G-C.
Other names: short protein forms F108L.
Identifiers: ClinVar variation 2937941 (VCV002937941.3), dbSNP rs1603366275, ClinGen allele CA400485369.